The following is an entry in ClinVar:

ClinVar aggregate classification (germline): Uncertain significance. Review status: criteria provided, multiple submitters, no conflicts (2 of 4 stars). 2 submissions from 2 submitters: Uncertain significance (2). Last evaluated 2026-04-28.

Conditions:
RASopathy. Also called: rasopathies; Noonan spectrum disorder. Identifiers: Orphanet 536391, MedGen C5555857, MONDO:0021060.

Allele frequency attached by ClinVar (database versions not stated): TOPMed 0.00001.

Submissions (2):

GeneDx
Classification: Uncertain significance. Last evaluated: 2026-04-28. Review status: criteria provided, single submitter. Criteria: GeneDx Variant Classification Process June 2021. Collection method: clinical testing. Allele origin: germline.
Comment: Not observed at significant frequency in large population cohorts (gnomAD); Missense variants in this gene are a common cause of disease and they are underrepresented in the general population; In silico analysis supports that this missense variant has a deleterious effect on protein structure/function; Has not been previously published as pathogenic or benign germline variant to our knowledge; This variant is associated with the following publications: (PMID: 33749950)

Labcorp Genetics (formerly Invitae), Labcorp
Classification: Uncertain significance for RASopathy. Last evaluated: 2022-05-30. Review status: criteria provided, single submitter. Criteria: Invitae Variant Classification Sherloc (09022015). Collection method: clinical testing. Allele origin: germline.
Comment: In summary, the available evidence is currently insufficient to determine the role of this variant in disease. Therefore, it has been classified as a Variant of Uncertain Significance. Advanced modeling of protein sequence and biophysical properties (such as structural, functional, and spatial information, amino acid conservation, physicochemical variation, residue mobility, and thermodynamic stability) performed at Invitae indicates that this missense variant is expected to disrupt NRAS protein function. This variant has not been reported in the literature in individuals affected with NRAS-related conditions. This variant is not present in population databases (gnomAD no frequency). This sequence change replaces arginine, which is basic and polar, with glutamine, which is neutral and polar, at codon 102 of the NRAS protein (p.Arg102Gln).

NM_002524.5(NRAS):c.305G>A (p.Arg102Gln)

Gene: NRAS (NRAS proto-oncogene, GTPase; minus strand). Cytogenetic location: 1p13.2.
Variant type: single nucleotide variant.
Coding change: c.305G>A on transcript NM_002524.5 (MANE Select); coding-DNA position 305, G replaced by A.
Protein change: p.Arg102Gln; replaces arginine 102 with glutamine.
Molecular consequence: missense variant.
Genome position (GRCh38, 1-based): chr1:114,709,714, C>T on the plus strand (G>A on the coding strand, the complement: NRAS is on the minus strand). VCF-style: chr1-114709714-C-T. GRCh37 (hg19) VCF-style: chr1-115252335-C-T.
Other names: short protein forms R102Q.
Identifiers: ClinVar variation 2185908 (VCV002185908.5), dbSNP rs1247510820, ClinGen allele CA341739745.
Genomic context (GRCh38, chr1:114,709,714, plus strand): 5'-GTTGGCAAATCACACTTGTTTCCCACTAGCACCATAGGTACATCATCCGAGTCTTTTACT[C>T]GCTTAATCTGCTCCCTAAAAACGGGAATATATTATCAGAACATAAGAAAAACAAGATTAG-3'
Protein context (NP_002515.1, residues 92-112): DINLYREQIK[Arg102Gln]VKDSDDVPMV